The following is an entry in ClinVar:

NM_020318.3(PAPPA2):c.3169C>T (p.Arg1057Cys)

Gene: PAPPA2 (pappalysin 2; plus strand). Cytogenetic location: 1q25.2.
Variant type: single nucleotide variant.
Coding change: c.3169C>T on transcript NM_020318.3 (MANE Select); coding-DNA position 3169, C replaced by T.
Protein change: p.Arg1057Cys; replaces arginine 1057 with cysteine.
Molecular consequence: missense variant.
Genome position (GRCh38, 1-based): chr1:176,699,522, C>T. VCF-style: chr1-176699522-C-T. GRCh37 (hg19) VCF-style: chr1-176668658-C-T.
Other names: short protein forms R1057C.
Identifiers: ClinVar variation 3906676 (VCV003906676.1).

ClinVar aggregate classification (germline): Uncertain significance (1 of 4 stars; one submission).

gnomAD v4.1: 15 of 1,613,474 alleles (0.00093%); highest among the groups gnomAD compares: South Asian, 0.0022%; no homozygotes.

Submission:

GeneDx
Classification: Uncertain significance. Last evaluated: 2024-12-18. Review status: criteria provided, single submitter. Criteria: GeneDx Variant Classification Process June 2021. Collection method: clinical testing. Allele origin: germline. Affected: yes.
Comment: In silico analysis supports that this missense variant has a deleterious effect on protein structure/function; Has not been previously published as pathogenic or benign to our knowledge